The following is an entry in ClinVar:

NM_002968.3(SALL1):c.3963C>G (p.Ile1321Met)

Gene: SALL1 (spalt like transcription factor 1; minus strand). Cytogenetic location: 16q12.1.
Variant type: single nucleotide variant.
Coding change: c.3963C>G on transcript NM_002968.3 (MANE Select); coding-DNA position 3963, C replaced by G.
Protein change: p.Ile1321Met; replaces isoleucine 1321 with methionine.
Molecular consequence: missense variant.
Genome position (GRCh38, 1-based): chr16:51,137,124, G>C on the plus strand (C>G on the coding strand, the complement: SALL1 is on the minus strand). VCF-style: chr16-51137124-G-C. GRCh37 (hg19) VCF-style: chr16-51171035-G-C.
Other names: c.3672C>G, p.Ile1224Met (NM_001127892.2); short protein forms I1224M, I1321M.
Identifiers: ClinVar variation 1280309 (VCV001280309.3), dbSNP rs200583558, ClinGen allele CA8052794.

ClinVar aggregate classification (germline): Conflicting classifications of pathogenicity. Review status: criteria provided, conflicting classifications (1 of 4 stars). 3 submissions from 3 submitters: Uncertain significance (1); Benign (1); Likely benign (1). Last evaluated 2025-07-03.

Conditions:
SALL1-related disorder. Also called: SALL1-related condition.
Inborn genetic diseases. Identifiers: MedGen C0950123, MeSH D030342.

Allele frequency attached by ClinVar (database versions not stated): 1000 Genomes Project 30x 0.00016; 1000 Genomes Project 0.00020; TOPMed 0.00022; ESP Exome Variant Server 0.00023.
gnomAD v4.1: 47 of 1,614,118 alleles (0.0029%); highest among the groups gnomAD compares: African/African-American, 0.06%; no homozygotes.

Submissions (3):

PreventionGenetics, part of Exact Sciences
Classification: Likely benign for SALL1-related condition. Last evaluated: 2025-07-03. Review status: criteria provided, single submitter. Criteria: ACMG Guidelines, 2015. Collection method: clinical testing. Allele origin: germline.
Comment: This variant is classified as likely benign based on ACMG/AMP sequence variant interpretation guidelines (Richards et al. 2015 PMID: 25741868, with internal and published modifications).

Ambry Genetics
Classification: Uncertain significance for Inborn genetic diseases. Last evaluated: 2024-11-09. Review status: criteria provided, single submitter. Criteria: Ambry Variant Classification Scheme 2023. Collection method: clinical testing. Allele origin: germline.

GeneDx
Classification: Benign. Last evaluated: 2020-10-14. Review status: criteria provided, single submitter. Criteria: GeneDx Variant Classification Process June 2021. Collection method: clinical testing. Allele origin: germline. Affected: yes.